The following is an entry in ClinVar:

ClinVar aggregate classification (germline): Uncertain significance. Review status: criteria provided, multiple submitters, no conflicts (2 of 4 stars). 2 submissions from 2 submitters: Uncertain significance (2). Last evaluated 2025-05-06.

Allele frequency attached by ClinVar (database versions not stated): gnomAD 0.00001; ExAC 0.00006.
gnomAD v4.1: 10 of 1,550,276 alleles (0.00065%); highest among the groups gnomAD compares: Non-Finnish European, 0.00087%; no homozygotes.

Submissions (2):

Women's Health and Genetics/Laboratory Corporation of America, LabCorp
Classification: Uncertain significance. Last evaluated: 2025-05-06. Review status: criteria provided, single submitter. Criteria: LabCorp Variant Classification Summary - May 2015. Collection method: clinical testing. Allele origin: germline.
Comment: Variant summary: ZNF469 c.11360A>C (p.Lys3787Thr) results in a non-conservative amino acid change in the encoded protein sequence. Algorithms developed to predict the effect of missense changes on protein structure and function are either unavailable or do not agree on the potential impact of this missense change. The variant allele was found at a frequency of 6.5e-06 in 153162 control chromosomes. The available data on variant occurrences in the general population are insufficient to allow any conclusion about variant significance. To our knowledge, no occurrence of c.11360A>C in individuals affected with Brittle cornea syndrome 1 and no experimental evidence demonstrating its impact on protein function have been reported. ClinVar contains an entry for this variant (Variation ID: 1910217). Based on the evidence outlined above, the variant was classified as uncertain significance.

Labcorp Genetics (formerly Invitae), Labcorp
Classification: Uncertain significance. Last evaluated: 2022-04-20. Review status: criteria provided, single submitter. Criteria: Invitae Variant Classification Sherloc (09022015). Collection method: clinical testing. Allele origin: germline.
Comment: This sequence change replaces lysine, which is basic and polar, with threonine, which is neutral and polar, at codon 3759 of the ZNF469 protein (p.Lys3759Thr). This variant is present in population databases (rs762988622, gnomAD 0.002%). This variant has not been reported in the literature in individuals affected with ZNF469-related conditions. Algorithms developed to predict the effect of missense changes on protein structure and function are either unavailable or do not agree on the potential impact of this missense change (SIFT: "Deleterious"; PolyPhen-2: "Possibly Damaging"; Align-GVGD: "Class C0"). In summary, the available evidence is currently insufficient to determine the role of this variant in disease. Therefore, it has been classified as a Variant of Uncertain Significance.

NM_001367624.2(ZNF469):c.11360A>C (p.Lys3787Thr)

Gene: ZNF469 (zinc finger protein 469; plus strand). Cytogenetic location: 16q24.2.
Variant type: single nucleotide variant.
Coding change: c.11360A>C on transcript NM_001367624.2 (MANE Select); coding-DNA position 11360, A replaced by C.
Protein change: p.Lys3787Thr; replaces lysine 3787 with threonine.
Molecular consequence: missense variant.
Genome position (GRCh38, 1-based): chr16:88,438,830, A>C. VCF-style: chr16-88438830-A-C. GRCh37 (hg19) VCF-style: chr16-88505238-A-C.
Other names: short protein forms K3787T.
Identifiers: ClinVar variation 1910217 (VCV001910217.3), dbSNP rs762988622, ClinGen allele CA8225604.